The following is an entry in ClinVar:

NM_000091.5(COL4A3):c.388-6_396delinsCT

Genes: COL4A3 (collagen type IV alpha 3 chain; plus strand), MFF-DT (MFF divergent transcript; minus strand). Cytogenetic location: 2q36.3.
Variant type: Indel.
Coding change: c.388-6_396delinsCT on transcript NM_000091.5 (MANE Select); 6 bases into the intron before coding-DNA position 388 through coding-DNA position 396, TTTTAGGGTGAGCAG replaced by CT.
Molecular consequence: splice acceptor variant.
Genome position (GRCh38, 1-based): chr2:227,246,679-227,246,693, TTTTAGGGTGAGCAG replaced by CT. VCF-style: chr2-227246679-TTTTAGGGTGAGCAG-CT. GRCh37 (hg19) VCF-style: chr2-228111395-TTTTAGGGTGAGCAG-CT.
Identifiers: ClinVar variation 4817259 (VCV004817259.1).

ClinVar aggregate classification (germline): Likely pathogenic (1 of 4 stars; one submission).

Conditions:
Alport syndrome. Also called: Hemorrhagic familial nephritis; Hemorrhagic hereditary nephritis; Congenital hereditary hematuria. Identifiers: Orphanet 63, MedGen C1567741, MONDO:0018965.

Submission:

Natera, Inc.
Classification: Likely pathogenic for Alport syndrome. Last evaluated: 2025-12-22. Review status: criteria provided, single submitter. Criteria: Natera Variant Classification Schema (03/2026). Collection method: clinical testing. Allele origin: germline.
Comment: The c.388-6_396delinsCT variant in COL4A3 is a deletion-insertion (delins) variant predicted to replace one or more nucleotides with a different sequence. This variant is expected to result in nonsense mediated decay, truncation, or a dysfunctional protein product. This variant is rare in the general population with a frequency below the threshold expected for the associated phenotype(s). Given the available evidence, this variant is classified as Likely Pathogenic.